The following is an entry in ClinVar:

NM_004304.5(ALK):c.1027G>A (p.Glu343Lys)

Gene: ALK (ALK receptor tyrosine kinase; minus strand). Cytogenetic location: 2p23.2.
Variant type: single nucleotide variant.
Coding change: c.1027G>A on transcript NM_004304.5 (MANE Select); coding-DNA position 1027, G replaced by A.
Protein change: p.Glu343Lys; replaces glutamic acid 343 with lysine.
Molecular consequence: missense variant.
Genome position (GRCh38, 1-based): chr2:29,532,042, C>T on the plus strand (G>A on the coding strand, the complement: ALK is on the minus strand). VCF-style: chr2-29532042-C-T. GRCh37 (hg19) VCF-style: chr2-29754908-C-T.
Other names: short protein forms E343K.
Identifiers: ClinVar variation 1002031 (VCV001002031.8), dbSNP rs1673134817, ClinGen allele CA346587427.

ClinVar aggregate classification (germline): Uncertain significance (1 of 4 stars; one submission).

Conditions:
Neuroblastoma, susceptibility to, 3. Also called: ALK-Related Neuroblastic Tumor Susceptibility. Identifiers: Orphanet 635, MedGen C2751681, MONDO:0013083, OMIM 613014.

Allele frequency attached by ClinVar (database versions not stated): gnomAD exomes below 0.00001.
gnomAD v4.1: 1 of 1,614,068 alleles (0.000062%); highest among the groups gnomAD compares: Non-Finnish European, 0.000085%; no homozygotes.

Submission:

Labcorp Genetics (formerly Invitae), Labcorp
Classification: Uncertain significance for Neuroblastoma, susceptibility to, 3. Last evaluated: 2020-06-28. Review status: criteria provided, single submitter. Criteria: Invitae Variant Classification Sherloc (09022015). Collection method: clinical testing. Allele origin: germline.
Comment: This variant has not been reported in the literature in individuals with ALK-related conditions. This variant is not present in population databases (ExAC no frequency). This sequence change replaces glutamic acid with lysine at codon 343 of the ALK protein (p.Glu343Lys). The glutamic acid residue is moderately conserved and there is a small physicochemical difference between glutamic acid and lysine. Algorithms developed to predict the effect of missense changes on protein structure and function are either unavailable or do not agree on the potential impact of this missense change (SIFT: "Deleterious"; PolyPhen-2: "Benign"; Align-GVGD: "Class C0"). In summary, the available evidence is currently insufficient to determine the role of this variant in disease. Therefore, it has been classified as a Variant of Uncertain Significance.